The following is an entry in ClinVar:

ClinVar aggregate classification (germline): Pathogenic. Review status: criteria provided, multiple submitters, no conflicts (2 of 4 stars). 9 submissions from 9 submitters: Pathogenic (8). 1 of the submissions does not count toward it. Last evaluated 2025-08-20.

Conditions:
Primary ciliary dyskinesia 3. Identifiers: Orphanet 244, MedGen C1837618, MONDO:0012085, OMIM 608644.
DNAH5-related disorders.
Male infertility. Identifiers: MedGen C0021364, MeSH D007248, MONDO:0005372, HP:0003251.
Primary ciliary dyskinesia. Also called: Ciliary dyskinesia. Identifiers: Orphanet 244, MedGen C0008780, MONDO:0016575, HP:0012265.

Allele frequency attached by ClinVar (database versions not stated): gnomAD exomes 0.00001 and below 0.00001; TOPMed 0.00002; ExAC 0.00001; gnomAD 0.00001.
gnomAD v4.1: 7 of 1,614,078 alleles (0.00043%); highest among the groups gnomAD compares: Admixed American, 0.0017%; no homozygotes.

Submissions (9):

Mayo Clinic Laboratories, Mayo Clinic
Classification: Pathogenic. Last evaluated: 2025-08-20. Review status: criteria provided, single submitter. Criteria: ACMG Guidelines, 2015. Collection method: clinical testing. Allele origin: germline. Observed: 1 variant allele.
Comment: PM2_supporting, PM3, PVS1

GeneDx
Classification: Pathogenic. Last evaluated: 2025-06-10. Review status: criteria provided, single submitter. Criteria: GeneDx Variant Classification Process June 2021. Collection method: clinical testing. Allele origin: germline. Affected: yes.
Comment: Nonsense variant predicted to result in protein truncation or nonsense mediated decay in a gene for which loss of function is a known mechanism of disease; Not observed at significant frequency in large population cohorts (gnomAD); This variant is associated with the following publications: (PMID: 25525159, 31589614, Guo2022[casereport], Shoman2024[Case Report], 19357118, 28991257, 33574797, 31879361, 38626355)

Natera, Inc.
Classification: Pathogenic for Primary ciliary dyskinesia. Last evaluated: 2025-04-03. Review status: criteria provided, single submitter. Criteria: Natera Variant Classification Schema (03/2026). Collection method: clinical testing. Allele origin: germline.
Comment: The c.5557A>T variant in DNAH5 is a nonsense variant predicted to introduce a stop codon at amino acid 1853. This variant is expected to result in nonsense mediated decay, truncation, or a dysfunctional protein product. This variant is rare in the general population with a frequency below the threshold expected for the associated phenotype(s). This variant has been observed in one or more individuals affected with the associated recessive disease, as either homozygous or compound heterozygous with a second variant (PMID: 19357118). Given the available evidence, this variant is classified as Pathogenic.

Labcorp Genetics (formerly Invitae), Labcorp
Classification: Pathogenic for Primary ciliary dyskinesia. Last evaluated: 2024-12-04. Review status: criteria provided, single submitter. Criteria: Invitae Variant Classification Sherloc (09022015). Collection method: clinical testing. Allele origin: germline.
Comment: This sequence change creates a premature translational stop signal (p.Lys1853*) in the DNAH5 gene. It is expected to result in an absent or disrupted protein product. Loss-of-function variants in DNAH5 are known to be pathogenic (PMID: 11788826, 16627867). This variant is present in population databases (rs748618094, gnomAD 0.003%). This premature translational stop signal has been observed in individual(s) with primary ciliary dyskinesia (PMID: 19357118). ClinVar contains an entry for this variant (Variation ID: 220581). For these reasons, this variant has been classified as Pathogenic.

Myriad Genetics, Inc.
Classification: Pathogenic for Primary ciliary dyskinesia 3. Last evaluated: 2024-05-14. Review status: criteria provided, single submitter. Criteria: Myriad Autosomal Dominant, Autosomal Recessive and X-Linked Classification Criteria (2023). Collection method: clinical testing. Allele origin: unknown.
Comment: NM_001369.2(DNAH5):c.5557A>T(K1853*) is expected to be pathogenic in the context of primary ciliary dyskinesia, DNAH5-related. This variant is predicted to lead to an abnormal or absent protein product due to the creation of a premature termination codon in DNAH5, a gene where loss-of-function variants are known to be pathogenic. Please note: this variant was assessed in the context of healthy population screening.

3billion
Classification: Pathogenic for Primary ciliary dyskinesia 3. Last evaluated: 2022-09-01. Review status: criteria provided, single submitter. Criteria: ACMG Guidelines, 2015. Collection method: clinical testing. Allele origin: germline. Affected: yes. Observed: 1 heterozygote.
Comment: The variant is observed at an extremely low frequency in the gnomAD v2.1.1 dataset (total allele frequency: <0.001%). Stop-gained (nonsense) is predicted to result in a loss or disruption of normal protein function through nonsense-mediated decay (NMD) or protein truncation. Multiple pathogenic variants are reported downstream of the variant. The variant has been reported at least twice as pathogenic without evidence for the classification (ClinVar ID: VCV000220581 / PMID: 19357118). Therefore, this variant is classified as Pathogenic according to the recommendation of ACMG/AMP guideline.

Dasa
Classification: Pathogenic for Primary ciliary dyskinesia 3. Last evaluated: 2022-04-10. Review status: criteria provided, single submitter. Criteria: ACMG Guidelines, 2015. Collection method: clinical testing. Allele origin: germline. Affected: yes. Observed: 1 variant allele.
Comment: The c.5557A>T;p.(Lys1853*) variant creates a premature translational stop signal in the DNAH5 gene. It is expected to result in an absent or disrupted protein product -PVS1. This sequence change has been observed in affected individual(s) and ClinVar contains an entry for this variant (ClinVar ID: 220581; PMID: 19357118; 33574797) - PS4_moderate. The variant is present at low allele frequencies population databases (rs748618094 – gnomAD 0.0001314%; ABraOM no frequency) - PM2_supporting. The p.(Lys1853*) was detected in trans with a pathogenic variant (PMID: 19357118; 33574797) - PM3. In summary, the currently available evidence indicates that the variant is pathogenic.

Blueprint Genetics
Classification: Pathogenic for DNAH5-related disorders. Last evaluated: 2021-09-15. Review status: criteria provided, single submitter. Criteria: ACMG Guidelines, 2015. Collection method: clinical testing. Allele origin: germline. Affected: yes. Observed: 1 variant allele.

MAGI's Lab - Research, MAGI Group
Classification: Pathogenic for Male infertility. Review status: no assertion criteria provided. Collection method: provider interpretation. Allele origin: germline. Affected: yes. Not counted in ClinVar's aggregate classification.

Literature cited by the submitters: PubMed 19357118 (cited by 5 submitters); PubMed 31879361 (cited by Mayo Clinic Laboratories, Mayo Clinic); PubMed 33574797 (cited by Mayo Clinic Laboratories, Mayo Clinic and Dasa); PubMed 11788826 (cited by Labcorp Genetics (formerly Invitae), Labcorp); PubMed 16627867 (cited by Labcorp Genetics (formerly Invitae), Labcorp); DOI 10.3389/fendo.2020.605237 (cited by MAGI's Lab - Research, MAGI Group).

NM_001369.3(DNAH5):c.5557A>T (p.Lys1853Ter)

Gene: DNAH5 (dynein axonemal heavy chain 5; minus strand). Cytogenetic location: 5p15.2.
Variant type: single nucleotide variant.
Coding change: c.5557A>T on transcript NM_001369.3 (MANE Select); coding-DNA position 5557, A replaced by T.
Protein change: p.Lys1853Ter; replaces lysine 1853 with a stop codon.
Molecular consequence: nonsense.
Genome position (GRCh38, 1-based): chr5:13,841,058, T>A on the plus strand (A>T on the coding strand, the complement: DNAH5 is on the minus strand). VCF-style: chr5-13841058-T-A. GRCh37 (hg19) VCF-style: chr5-13841167-T-A.
Other names: p.Lys1853*; short protein forms K1853*.
Identifiers: ClinVar variation 220581 (VCV000220581.18), dbSNP rs748618094, ClinGen allele CA348039.